The following is an entry in ClinVar:

NM_005419.4(STAT2):c.1985G>A (p.Arg662His)

Gene: STAT2 (signal transducer and activator of transcription 2; minus strand). Cytogenetic location: 12q13.3.
Variant type: single nucleotide variant.
Coding change: c.1985G>A on transcript NM_005419.4 (MANE Select); coding-DNA position 1985, G replaced by A.
Protein change: p.Arg662His; replaces arginine 662 with histidine.
Molecular consequence: missense variant.
Genome position (GRCh38, 1-based): chr12:56,346,501, C>T on the plus strand (G>A on the coding strand, the complement: STAT2 is on the minus strand). VCF-style: chr12-56346501-C-T. GRCh37 (hg19) VCF-style: chr12-56740285-C-T.
Other names: c.1952G>A, p.Arg651His (NM_001385110.1); c.1886G>A, p.Arg629His (NM_001385111.1); c.1985G>A, p.Arg662His (NM_001385113.1); c.1964G>A, p.Arg655His (NM_001385114.1); c.1943G>A, p.Arg648His (NM_001385115.1); c.1973G>A, p.Arg658His (NM_198332.2); c.1985G>A (NM_005419.3); short protein forms R629H, R648H, R651H, R655H, R658H, R662H.
Identifiers: ClinVar variation 1001244 (VCV001001244.6), dbSNP rs773618917, ClinGen allele CA6630351.
Genomic context (GRCh38, chr12:56,346,501, plus strand): 5'-CCTTTCTCCTGGTAGTAGCACCCAAAAGCTTCATCCCGGGGGATTCGGGGATAGAGGAAG[C>T]GCAGTGGGTTTTCAGGTATATTCTCCTCAGTGAGCAACTGGTAATGGCGGATGATTTCAG-3'
Protein context (NP_005410.1, residues 652-672): TEENIPENPL[Arg662His]FLYPRIPRDE

ClinVar aggregate classification (germline): Uncertain significance. Review status: criteria provided, multiple submitters, no conflicts (2 of 4 stars). 2 submissions from 2 submitters: Uncertain significance (2). Last evaluated 2025-05-19.

Conditions:
Primary immunodeficiency with post-measles-mumps-rubella vaccine viral infection. Also called: Immunodeficiency 44. Identifiers: Orphanet 431166, MedGen C4225260, MONDO:0014715, OMIM 616636.
Inborn genetic diseases. Identifiers: MedGen C0950123, MeSH D030342.

Allele frequency attached by ClinVar (database versions not stated): ExAC 0.00002; gnomAD exomes 0.00001; TOPMed 0.00003; gnomAD 0.00001.
gnomAD v4.1: 21 of 1,614,062 alleles (0.0013%); highest among the groups gnomAD compares: Non-Finnish European, 0.0015%; no homozygotes.

Submissions (2):

Ambry Genetics
Classification: Uncertain significance for Inborn genetic diseases. Last evaluated: 2025-05-19. Review status: criteria provided, single submitter. Criteria: Ambry Variant Classification Scheme 2023. Collection method: clinical testing. Allele origin: germline.

Labcorp Genetics (formerly Invitae), Labcorp
Classification: Uncertain significance for Primary immunodeficiency with post-measles-mumps-rubella vaccine viral infection. Last evaluated: 2022-10-24. Review status: criteria provided, single submitter. Criteria: Invitae Variant Classification Sherloc (09022015). Collection method: clinical testing. Allele origin: germline.
Comment: In summary, the available evidence is currently insufficient to determine the role of this variant in disease. Therefore, it has been classified as a Variant of Uncertain Significance. This sequence change replaces arginine, which is basic and polar, with histidine, which is basic and polar, at codon 662 of the STAT2 protein (p.Arg662His). This variant is present in population databases (rs773618917, gnomAD 0.003%). This variant has not been reported in the literature in individuals affected with STAT2-related conditions. ClinVar contains an entry for this variant (Variation ID: 1001244). Advanced modeling of protein sequence and biophysical properties (such as structural, functional, and spatial information, amino acid conservation, physicochemical variation, residue mobility, and thermodynamic stability) performed at Invitae indicates that this missense variant is not expected to disrupt STAT2 protein function.